The following is an entry in ClinVar:

ClinVar aggregate classification (germline): Uncertain significance (1 of 4 stars; one submission).

Submission:

Labcorp Genetics (formerly Invitae), Labcorp
Classification: Uncertain significance. Last evaluated: 2024-01-10. Review status: criteria provided, single submitter. Criteria: Invitae Variant Classification Sherloc (09022015). Collection method: clinical testing. Allele origin: germline.
Comment: This sequence change replaces aspartic acid, which is acidic and polar, with tyrosine, which is neutral and polar, at codon 1027 of the MICAL1 protein (p.Asp1027Tyr). This variant is not present in population databases (gnomAD no frequency). This variant has not been reported in the literature in individuals affected with MICAL1-related conditions. An algorithm developed to predict the effect of missense changes on protein structure and function (PolyPhen-2) suggests that this variant is likely to be disruptive. In summary, the available evidence is currently insufficient to determine the role of this variant in disease. Therefore, it has been classified as a Variant of Uncertain Significance.

NM_022765.4(MICAL1):c.3022G>T (p.Asp1008Tyr)

Gene: MICAL1 (microtubule associated monooxygenase, calponin and LIM domain containing 1; minus strand). Cytogenetic location: 6q21.
Variant type: single nucleotide variant.
Coding change: c.3022G>T on transcript NM_022765.4 (MANE Select); coding-DNA position 3022, G replaced by T.
Protein change: p.Asp1008Tyr; replaces aspartic acid 1008 with tyrosine.
Molecular consequence: missense variant.
Genome position (GRCh38, 1-based): chr6:109,444,758, C>A on the plus strand (G>T on the coding strand, the complement: MICAL1 is on the minus strand). VCF-style: chr6-109444758-C-A. GRCh37 (hg19) VCF-style: chr6-109765961-C-A.
Other names: c.2764G>T, p.Asp922Tyr (NM_001159291.2); c.3079G>T, p.Asp1027Tyr (NM_001286613.2); short protein forms D1027Y, D922Y, D1008Y.
Identifiers: ClinVar variation 2708674 (VCV002708674.3), dbSNP rs2482764529, ClinGen allele CA365221016.